The following is an entry in ClinVar:

ClinVar aggregate classification (germline): Uncertain significance (1 of 4 stars; one submission).

Allele frequency attached by ClinVar (database versions not stated): gnomAD exomes below 0.00001; TOPMed below 0.00001; gnomAD 0.00001.
gnomAD v4.1: 4 of 1,612,488 alleles (0.00025%); highest among the groups gnomAD compares: Non-Finnish European, 0.00034%; no homozygotes.

Submission:

Labcorp Genetics (formerly Invitae), Labcorp
Classification: Uncertain significance. Last evaluated: 2023-03-27. Review status: criteria provided, single submitter. Criteria: Invitae Variant Classification Sherloc (09022015). Collection method: clinical testing. Allele origin: germline.
Comment: In summary, the available evidence is currently insufficient to determine the role of this variant in disease. Therefore, it has been classified as a Variant of Uncertain Significance. Advanced modeling of protein sequence and biophysical properties (such as structural, functional, and spatial information, amino acid conservation, physicochemical variation, residue mobility, and thermodynamic stability) performed at Invitae indicates that this missense variant is not expected to disrupt KCNQ5 protein function. ClinVar contains an entry for this variant (Variation ID: 1972980). This variant has not been reported in the literature in individuals affected with KCNQ5-related conditions. This variant is not present in population databases (gnomAD no frequency). This sequence change replaces arginine, which is basic and polar, with cysteine, which is neutral and slightly polar, at codon 123 of the KCNQ5 protein (p.Arg123Cys).

NM_019842.4(KCNQ5):c.367C>T (p.Arg123Cys)

Genes: KCNQ5 (potassium voltage-gated channel subfamily Q member 5; plus strand), KCNQ5-DT (KCNQ5 divergent transcript; minus strand). Cytogenetic location: 6q13.
Variant type: single nucleotide variant.
Coding change: c.367C>T on transcript NM_019842.4 (MANE Select); coding-DNA position 367, C replaced by T.
Protein change: p.Arg123Cys; replaces arginine 123 with cysteine.
Molecular consequence: missense variant.
Genome position (GRCh38, 1-based): chr6:72,622,556, C>T. VCF-style: chr6-72622556-C-T. GRCh37 (hg19) VCF-style: chr6-73332284-C-T.
Other names: c.367C>T, p.Arg123Cys (NM_001160130.2, NM_001160132.2, NM_001160133.2 and 1 more transcripts); short protein forms R123C.
Identifiers: ClinVar variation 1972980 (VCV001972980.5), dbSNP rs1252311880, ClinGen allele CA364824699.